The following is an entry in ClinVar:

ClinVar aggregate classification (germline): Uncertain significance (1 of 4 stars; one submission).

Conditions:
Xanthinuria type II. Also called: Xanthine dehydrogenase and aldehyde oxidase combined deficiency of; XDH and AOX dual deficiency. Identifiers: Orphanet 3467, Orphanet 93602, MedGen C1863688, MONDO:0011346, OMIM 603592.

Submission:

Labcorp Genetics (formerly Invitae), Labcorp
Classification: Uncertain significance for Xanthinuria type II. Last evaluated: 2022-01-06. Review status: criteria provided, single submitter. Criteria: Invitae Variant Classification Sherloc (09022015). Collection method: clinical testing. Allele origin: germline.
Comment: This variant has not been reported in the literature in individuals affected with MOCOS-related conditions. In summary, the available evidence is currently insufficient to determine the role of this variant in disease. Therefore, it has been classified as a Variant of Uncertain Significance. Algorithms developed to predict the effect of missense changes on protein structure and function (SIFT, PolyPhen-2, Align-GVGD) all suggest that this variant is likely to be tolerated. ClinVar contains an entry for this variant (Variation ID: 651732). This variant is not present in population databases (gnomAD no frequency). This sequence change replaces glutamic acid, which is acidic and polar, with aspartic acid, which is acidic and polar, at codon 631 of the MOCOS protein (p.Glu631Asp).

NM_017947.4(MOCOS):c.1893A>C (p.Glu631Asp)

Gene: MOCOS (molybdenum cofactor sulfurase; plus strand). Cytogenetic location: 18q12.2.
Variant type: single nucleotide variant.
Coding change: c.1893A>C on transcript NM_017947.4 (MANE Select); coding-DNA position 1893, A replaced by C.
Protein change: p.Glu631Asp; replaces glutamic acid 631 with aspartic acid.
Molecular consequence: missense variant.
Genome position (GRCh38, 1-based): chr18:36,220,150, A>C. VCF-style: chr18-36220150-A-C. GRCh37 (hg19) VCF-style: chr18-33800113-A-C.
Other names: short protein forms E631D.
Identifiers: ClinVar variation 651732 (VCV000651732.8), dbSNP rs1598880124, ClinGen allele CA402223765.